The following is an entry in ClinVar:

NM_000465.4(BARD1):c.1678-30_1679del

Gene: BARD1 (BRCA1 associated RING domain 1; minus strand). Cytogenetic location: 2q35.
Variant type: Deletion.
Coding change: c.1678-30_1679del on transcript NM_000465.4 (MANE Select); 30 bases into the intron before coding-DNA position 1678 through coding-DNA position 1679, 32 bases deleted.
Molecular consequence: splice acceptor variant. On other transcripts: intron variant (1).
Genome position (GRCh38, 1-based): chr2:214,745,853-214,745,884, 32 bases deleted; deleting any 32 consecutive bases within chr2:214,745,853-214,745,885 gives the same sequence; the c. name uses the placement nearest the transcript's 3' end. GRCh37 (hg19): chr2:215,610,578-215,610,609.
Other names: c.268-30_269del (NM_001282548.2); c.1621-30_1622del (NM_001282543.2); c.325-30_326del (NM_001282545.2); c.365-15376_365-15345del (NM_001282549.2).
Identifiers: ClinVar variation 5032778 (VCV005032778.1).
Genomic context (GRCh38, chr2:214,745,852, plus strand): 5'-TTCTGAAGACAGCCCACTGCCTATAAGTACAAGAGGTCCATCCCTACGCTGCCCAGTGTT[CATCTGTTAATATAAAAGGAGATACCAGTGTTA>C]AAAACATTAGACGACTAGACAAAGACATTAAACAGACTGTTACTTGATATAAGCTTGAAT-3'

ClinVar aggregate classification (germline): Likely pathogenic (1 of 4 stars; one submission).

Conditions:
Hereditary cancer-predisposing syndrome. Also called: Neoplastic Syndromes, Hereditary; Tumor predisposition; Hereditary neoplastic syndrome; Hereditary Cancer Syndrome. Identifiers: Orphanet 140162, MedGen C0027672, MeSH D009386, MONDO:0015356.

Submission:

Ambry Genetics
Classification: Likely pathogenic for Hereditary cancer-predisposing syndrome. Last evaluated: 2026-07-02. Review status: criteria provided, single submitter. Criteria: Ambry Variant Classification Scheme 2023. Collection method: clinical testing. Allele origin: germline.
Comment: The c.1678-30_1679del32 variant results from a deletion of 32 nucleotides between positions 1678-30 and 1679 and involves the canonical splice acceptor site before coding exon 8 of the BARD1 gene. This variant is considered to be rare based on population cohorts in the Genome Aggregation Database (gnomAD). The canonical splice donor site is highly conserved in available vertebrate species. In silico splice site analysis predicts that this alteration will weaken the native splice acceptor site; however, the exact impact of this deletion on BARD1 splicing and function is currently unknown. Alterations that disrupt the canonical splice site are expected to cause aberrant splicing, resulting in an abnormal protein or a transcript that is subject to nonsense-mediated mRNA decay. As such, this alteration is classified as likely pathogenic.